The following is an entry in ClinVar:

ClinVar aggregate classification (germline): Uncertain significance. Review status: criteria provided, multiple submitters, no conflicts (2 of 4 stars). 4 submissions from 4 submitters: Uncertain significance (4). Last evaluated 2026-01-19.

Conditions:
Baller-Gerold syndrome (BGS). Also called: CRANIOSYNOSTOSIS WITH RADIAL DEFECTS. Identifiers: Orphanet 1225, MedGen C0265308, MONDO:0009039, OMIM 218600.
Hereditary cancer-predisposing syndrome. Also called: Hereditary neoplastic syndrome; Tumor predisposition; Neoplastic Syndromes, Hereditary; Hereditary Cancer Syndrome. Identifiers: Orphanet 140162, MedGen C0027672, MeSH D009386, MONDO:0015356.

Allele frequency attached by ClinVar (database versions not stated): TOPMed 0.00004; ExAC 0.00008; gnomAD 0.00008 and 0.00009; gnomAD exomes 0.00008.
gnomAD v4.1: 187 of 1,519,814 alleles (0.012%); highest among the groups gnomAD compares: Non-Finnish European, 0.016%; no homozygotes.

Submissions (4):

Labcorp Genetics (formerly Invitae), Labcorp
Classification: Uncertain significance for Baller-Gerold syndrome. Last evaluated: 2026-01-19. Review status: criteria provided, single submitter. Criteria: Invitae Variant Classification Sherloc (09022015). Collection method: clinical testing. Allele origin: germline.
Comment: This sequence change replaces glycine, which is neutral and non-polar, with arginine, which is basic and polar, at codon 120 of the RECQL4 protein (p.Gly120Arg). This variant is present in population databases (rs571635676, gnomAD 0.01%). This variant has not been reported in the literature in individuals affected with RECQL4-related conditions. ClinVar contains an entry for this variant (Variation ID: 528936). Invitae Evidence Modeling of protein sequence and biophysical properties (such as structural, functional, and spatial information, amino acid conservation, physicochemical variation, residue mobility, and thermodynamic stability) indicates that this missense variant is not expected to disrupt RECQL4 protein function with a negative predictive value of 80%. In summary, the available evidence is currently insufficient to determine the role of this variant in disease. Therefore, it has been classified as a Variant of Uncertain Significance.

Blueprint Genetics
Classification: Uncertain significance. Last evaluated: 2023-06-27. Review status: criteria provided, single submitter. Criteria: ACMG Guidelines, 2015. Collection method: clinical testing. Allele origin: germline.

Sema4
Classification: Uncertain significance for Hereditary cancer-predisposing syndrome. Last evaluated: 2021-05-10. Review status: criteria provided, single submitter. Criteria: Sema4 Curation Guidelines. Collection method: curation. Allele origin: germline.
Comment: The RECQL4 c.358G>C (p.G120R) variant has not been reported in the literature to our knowledge. It was observed in 3/19470 chromosomes in the Finnish subpopulation in the large and broad cohorts of the Genome Aggregation Database (PMID: 32461654). The variant has been reported in ClinVar (Variation ID: 528936). In silico tools suggest the impact of the variant on protein function is benign, though these predictions have not been confirmed by functional studies. The evidence is insufficient to meet ACMG/AMP criteria for classifying the variant as benign or pathogenic. Thus, the clinical significance of this variant is currently uncertain.

GeneDx
Classification: Uncertain significance. Last evaluated: 2019-04-26. Review status: criteria provided, single submitter. Criteria: GeneDx Variant Classification Process June 2021. Collection method: clinical testing. Allele origin: germline. Affected: yes.
Comment: In silico analysis, which includes protein predictors and evolutionary conservation, supports that this variant does not alter protein structure/function; Has not been previously published as pathogenic or benign to our knowledge

NM_004260.4(RECQL4):c.358G>C (p.Gly120Arg)

Gene: RECQL4 (RecQ like helicase 4; minus strand). Cytogenetic location: 8q24.3.
Variant type: single nucleotide variant.
Coding change: c.358G>C on transcript NM_004260.4 (MANE Select); coding-DNA position 358, G replaced by C.
Protein change: p.Gly120Arg; replaces glycine 120 with arginine.
Molecular consequence: missense variant.
Genome position (GRCh38, 1-based): chr8:144,516,761, C>G on the plus strand (G>C on the coding strand, the complement: RECQL4 is on the minus strand). VCF-style: chr8-144516761-C-G. GRCh37 (hg19) VCF-style: chr8-145742145-C-G.
Other names: short protein forms G120R.
Identifiers: ClinVar variation 528936 (VCV000528936.12), dbSNP rs571635676, ClinGen allele CA4949320.